The following is an entry in ClinVar:

ClinVar aggregate classification (germline): Benign (0 of 4 stars; one submission).

Conditions:
FSIP2-related disorder. Also called: FSIP2-related condition.

Allele frequency attached by ClinVar (database versions not stated): ExAC 0.00459; gnomAD exomes 0.00617; gnomAD 0.00846; 1000 Genomes Project 0.01218; 1000 Genomes Project 30x 0.01390; TOPMed 0.01424.
gnomAD v4.1: 9,755 of 1,533,682 alleles (0.64%); highest among the groups gnomAD compares: Admixed American, 8.9%; 312 homozygotes.

Submission:

PreventionGenetics, part of Exact Sciences
Classification: Benign for FSIP2-related condition. Last evaluated: 2024-06-19. Review status: no assertion criteria provided. Collection method: clinical testing. Allele origin: germline.
Comment: This variant is classified as benign based on ACMG/AMP sequence variant interpretation guidelines (Richards et al. 2015 PMID: 25741868, with internal and published modifications).

NM_173651.4(FSIP2):c.10792G>A (p.Gly3598Ser)

Genes: FSIP2 (fibrous sheath interacting protein 2; plus strand), FSIP2-AS1 (FSIP2 antisense RNA 1; minus strand). Cytogenetic location: 2q32.1.
Variant type: single nucleotide variant.
Coding change: c.10792G>A on transcript NM_173651.4 (MANE Select); coding-DNA position 10792, G replaced by A.
Protein change: p.Gly3598Ser; replaces glycine 3598 with serine.
Molecular consequence: missense variant. On other transcripts: non-coding transcript variant (2).
Genome position (GRCh38, 1-based): chr2:185,800,098, G>A. VCF-style: chr2-185800098-G-A. GRCh37 (hg19) VCF-style: chr2-186664825-G-A.
Other names: short protein forms G3598S.
Identifiers: ClinVar variation 3033924 (VCV003033924.2), dbSNP rs143780618, ClinGen allele CA2016927.